The following is an entry in ClinVar:

ClinVar aggregate classification (germline): Pathogenic (1 of 4 stars; one submission).

Conditions:
Achondrogenesis, type IB (ACG1B). Also called: Achondrogenesis Type 1B. Identifiers: Orphanet 932, Orphanet 93298, MedGen C0265274, MONDO:0010966, OMIM 600972.
Diastrophic dysplasia (DTD). Also called: Diastrophic dwarfism. Identifiers: Orphanet 628, MedGen C0220726, MONDO:0009107, OMIM 222600.
Multiple epiphyseal dysplasia type 4 (EDM4). Also called: Multiple Epiphyseal Dysplasia, Recessive; MULTIPLE EPIPHYSEAL DYSPLASIA WITH BILAYERED PATELLAE; MULTIPLE EPIPHYSEAL DYSPLASIA WITH CLUBFOOT; MULTIPLE EPIPHYSEAL DYSPLASIA, AUTOSOMAL RECESSIVE; SLC26A2-Related Multiple Epiphyseal Dysplasia. Identifiers: Orphanet 93307, MedGen C1847593, MONDO:0009189, OMIM 226900.
Atelosteogenesis type II (AO2). Also called: NEONATAL OSSEOUS DYSPLASIA I; Neonatal osseous dysplasia 1; SLC26A2-Related Atelosteogenesis. Identifiers: Orphanet 56304, MedGen C1850554, MONDO:0009727, OMIM 256050.

Submission:

Labcorp Genetics (formerly Invitae), Labcorp
Classification: Pathogenic for Atelosteogenesis type II; Multiple epiphyseal dysplasia type 4; Achondrogenesis, type IB; Diastrophic dysplasia. Last evaluated: 2023-01-19. Review status: criteria provided, single submitter. Criteria: Invitae Variant Classification Sherloc (09022015). Collection method: clinical testing. Allele origin: germline.
Comment: For these reasons, this variant has been classified as Pathogenic. This variant disrupts a region of the SLC26A2 protein in which other variant(s) (p.Ala715Val) have been determined to be pathogenic (PMID: 8571951, 11448940, 15294877, 21077204, 21922596). This suggests that this is a clinically significant region of the protein, and that variants that disrupt it are likely to be disease-causing. This variant has not been reported in the literature in individuals affected with SLC26A2-related conditions. This variant is not present in population databases (gnomAD no frequency). This sequence change creates a premature translational stop signal (p.Tyr232*) in the SLC26A2 gene. While this is not anticipated to result in nonsense mediated decay, it is expected to disrupt the last 508 amino acid(s) of the SLC26A2 protein.

Literature cited by the submitters: PubMed 8571951; PubMed 11448940; PubMed 15294877; PubMed 21077204; PubMed 21922596.

NM_000112.4(SLC26A2):c.695dup (p.Tyr232Ter)

Gene: SLC26A2 (solute carrier family 26 member 2; plus strand). Cytogenetic location: 5q32.
Variant type: Duplication.
Coding change: c.695dup on transcript NM_000112.4 (MANE Select); coding-DNA position 695, one base duplicated (A; older notation c.695dupA).
Protein change: p.Tyr232Ter; replaces tyrosine 232 with a stop codon.
Molecular consequence: nonsense.
Genome position (GRCh38, 1-based): chr5:149,978,347, A duplicated. VCF-style (leftmost placement, unchanged base first): chr5-149978346-T-TA. GRCh37 (hg19) VCF-style: chr5-149357909-T-TA.
Other names: short protein forms Y232*.
Identifiers: ClinVar variation 2943405 (VCV002943405.3), dbSNP rs2480771712, ClinGen allele CA2740094133.